The following is an entry in ClinVar:

NM_001023570.4(IQCB1):c.393+1G>C

Gene: IQCB1 (IQ motif containing B1; minus strand). Cytogenetic location: 3q13.33.
Variant type: single nucleotide variant.
Coding change: c.393+1G>C on transcript NM_001023570.4 (MANE Select); the canonical splice donor site of the intron after coding-DNA position 393, G replaced by C.
Molecular consequence: splice donor variant.
Genome position (GRCh38, 1-based): chr3:121,826,050, C>G on the plus strand (G>C on the coding strand, the complement: IQCB1 is on the minus strand). VCF-style: chr3-121826050-C-G. GRCh37 (hg19) VCF-style: chr3-121544897-C-G.
Other names: c.393+1G>C (NM_001319107.2, NM_001023571.4).
Identifiers: ClinVar variation 1493281 (VCV001493281.8), dbSNP rs1226321871, ClinGen allele CA354111258.

ClinVar aggregate classification (germline): Likely pathogenic (1 of 4 stars; one submission).

Conditions:
Nephronophthisis. Also called: Juvenile Nephronophthisis. Identifiers: Orphanet 655, MedGen C0687120, MONDO:0019005, HP:0000090.

Allele frequency attached by ClinVar (database versions not stated): gnomAD exomes below 0.00001; gnomAD 0.00001.
gnomAD v4.1: 4 of 1,611,828 alleles (0.00025%); highest among the groups gnomAD compares: Non-Finnish European, 0.00034%; no homozygotes.

Submission:

Labcorp Genetics (formerly Invitae), Labcorp
Classification: Likely pathogenic for Nephronophthisis. Last evaluated: 2021-06-01. Review status: criteria provided, single submitter. Criteria: Invitae Variant Classification Sherloc (09022015). Collection method: clinical testing. Allele origin: germline.
Comment: This variant has not been reported in the literature in individuals with IQCB1-related conditions. Algorithms developed to predict the effect of sequence changes on RNA splicing suggest that this variant may disrupt the consensus splice site, but this prediction has not been confirmed by published transcriptional studies. In summary, the currently available evidence indicates that the variant is pathogenic, but additional data are needed to prove that conclusively. Therefore, this variant has been classified as Likely Pathogenic. This variant is not present in population databases (ExAC no frequency). This sequence change affects a donor splice site in intron 5 of the IQCB1 gene. It is expected to disrupt RNA splicing. Variants that disrupt the donor or acceptor splice site typically lead to a loss of protein function (PMID: 16199547), and loss-of-function variants in IQCB1 are known to be pathogenic (PMID: 15723066, 21901789, 23559409, 28041643).

Literature cited by the submitters: PubMed 16199547; PubMed 15723066; PubMed 21901789; PubMed 23559409; PubMed 28041643.